The following is an entry in ClinVar:

NM_001458.5(FLNC):c.635A>G (p.Asn212Ser)

Gene: FLNC (filamin C; plus strand). Cytogenetic location: 7q32.1.
Variant type: single nucleotide variant.
Coding change: c.635A>G on transcript NM_001458.5 (MANE Select); coding-DNA position 635, A replaced by G.
Protein change: p.Asn212Ser; replaces asparagine 212 with serine.
Molecular consequence: missense variant.
Genome position (GRCh38, 1-based): chr7:128,837,193, A>G. VCF-style: chr7-128837193-A-G. GRCh37 (hg19) VCF-style: chr7-128477247-A-G.
Other names: c.635A>G, p.Asn212Ser (NM_001127487.2); short protein forms N212S.
Identifiers: ClinVar variation 576672 (VCV000576672.12), dbSNP rs756723697, ClinGen allele CA4474083.

ClinVar aggregate classification (germline): Conflicting classifications of pathogenicity. Review status: criteria provided, conflicting classifications (1 of 4 stars). 3 submissions from 3 submitters: Uncertain significance (2); Likely benign (1). Last evaluated 2026-08-18.

Conditions:
FLNC-related disorder. Also called: FLNC-related condition; FLNC-related disorders.
Hypertrophic cardiomyopathy 26. Also called: Cardiomyopathy, familial hypertrophic, 26. Identifiers: Orphanet 75249, MedGen C4310749, MONDO:0014883, OMIM 617047.
Distal myopathy with posterior leg and anterior hand involvement. Also called: WILLIAMS DISTAL MYOPATHY. Identifiers: Orphanet 63273, MedGen C3279722, MONDO:0013550, OMIM 614065.
Myofibrillar myopathy 5. Also called: Filaminopathy (type); FILAMINOPATHY, AUTOSOMAL DOMINANT. Identifiers: Orphanet 171445, MedGen C1836050, MONDO:0012289, OMIM 609524.
Cardiovascular phenotype. Identifiers: MedGen CN230736.

Allele frequency attached by ClinVar (database versions not stated): gnomAD exomes below 0.00001 and 0.00001; gnomAD 0.00001; ExAC 0.00002; TOPMed 0.00002.

Submissions (3):

PreventionGenetics, part of Exact Sciences
Classification: Uncertain significance for FLNC-related condition. Last evaluated: 2026-08-18. Review status: criteria provided, single submitter. Criteria: ACMG Guidelines, 2015. Collection method: clinical testing. Allele origin: germline.
Comment: The FLNC c.635A>G variant is predicted to result in the amino acid substitution p.Asn212Ser. To our knowledge, this variant has not been reported in the literature. This variant is reported in 0.0075% of alleles in individuals of African descent in gnomAD. At this time, the clinical significance of this variant is uncertain due to the absence of conclusive functional and genetic evidence.

Ambry Genetics
Classification: Uncertain significance for Cardiovascular phenotype. Last evaluated: 2025-12-16. Review status: criteria provided, single submitter. Criteria: Ambry Variant Classification Scheme 2023. Collection method: clinical testing. Allele origin: germline.
Comment: The p.N212S variant (also known as c.635A>G), located in coding exon 3 of the FLNC gene, results from an A to G substitution at nucleotide position 635. The asparagine at codon 212 is replaced by serine, an amino acid with highly similar properties. This amino acid position is not well conserved in available vertebrate species, and serine is the reference amino acid in other vertebrate species. In addition, this alteration is predicted to be tolerated by in silico analysis. Since supporting evidence is limited at this time, the clinical significance of this alteration remains unclear.

Labcorp Genetics (formerly Invitae), Labcorp
Classification: Likely benign for Distal myopathy with posterior leg and anterior hand involvement; Myofibrillar myopathy 5; Hypertrophic cardiomyopathy 26. Last evaluated: 2025-08-28. Review status: criteria provided, single submitter. Criteria: Invitae Variant Classification Sherloc (09022015). Collection method: clinical testing. Allele origin: germline.